The following is an entry in ClinVar:

ClinVar aggregate classification (germline): Uncertain significance (1 of 4 stars; one submission).

Allele frequency attached by ClinVar (database versions not stated): gnomAD exomes 0.00001; gnomAD 0.00002.
gnomAD v4.1: 33 of 1,613,766 alleles (0.002%); highest among the groups gnomAD compares: Non-Finnish European, 0.0027%; no homozygotes.

Submission:

Labcorp Genetics (formerly Invitae), Labcorp
Classification: Uncertain significance. Last evaluated: 2022-01-12. Review status: criteria provided, single submitter. Criteria: Invitae Variant Classification Sherloc (09022015). Collection method: clinical testing. Allele origin: germline.
Comment: In summary, the available evidence is currently insufficient to determine the role of this variant in disease. Therefore, it has been classified as a Variant of Uncertain Significance. Advanced modeling of protein sequence and biophysical properties (such as structural, functional, and spatial information, amino acid conservation, physicochemical variation, residue mobility, and thermodynamic stability) performed at Invitae indicates that this missense variant is not expected to disrupt ABCA4 protein function. This variant has not been reported in the literature in individuals affected with ABCA4-related conditions. This variant is present in population databases (no rsID available, gnomAD 0.002%). This sequence change replaces isoleucine, which is neutral and non-polar, with threonine, which is neutral and polar, at codon 1367 of the ABCA4 protein (p.Ile1367Thr).

NM_000350.3(ABCA4):c.4100T>C (p.Ile1367Thr)

Gene: ABCA4 (ATP binding cassette subfamily A member 4; minus strand). Cytogenetic location: 1p22.1.
Variant type: single nucleotide variant.
Coding change: c.4100T>C on transcript NM_000350.3 (MANE Select); coding-DNA position 4100, T replaced by C.
Protein change: p.Ile1367Thr; replaces isoleucine 1367 with threonine.
Molecular consequence: missense variant.
Genome position (GRCh38, 1-based): chr1:94,031,806, A>G on the plus strand (T>C on the coding strand, the complement: ABCA4 is on the minus strand). VCF-style: chr1-94031806-A-G. GRCh37 (hg19) VCF-style: chr1-94497362-A-G.
Other names: c.3878T>C, p.Ile1293Thr (NM_001425324.1); short protein forms I1367T, I1293T.
Identifiers: ClinVar variation 1393457 (VCV001393457.6), dbSNP rs1054210292, ClinGen allele CA341286807.